The following is an entry in ClinVar:

NM_001130105.1(CERT1):c.43G>T (p.Ala15Ser)

Genes: CERT1 (ceramide transporter 1; minus strand), POLK (DNA polymerase kappa; plus strand). Cytogenetic location: 5q13.3.
Variant type: single nucleotide variant.
Coding change: c.43G>T on transcript NM_001130105.1; coding-DNA position 43, G replaced by T.
Protein change: p.Ala15Ser; replaces alanine 15 with serine.
Molecular consequence: missense variant.
Genome position (GRCh38, 1-based): chr5:75,511,802, C>A on the plus strand (G>T on the coding strand, the complement: CERT1 is on the minus strand). VCF-style: chr5-75511802-C-A. GRCh37 (hg19) VCF-style: chr5-74807627-C-A.
Other names: c.-126C>A (NM_016218.3); short protein forms A15S.
Identifiers: ClinVar variation 4537154 (VCV004537154.1).
Genomic context (GRCh38, chr5:75,511,802, plus strand): 5'-CTCCTCCCGAACCCTACCTCCGGCTCTCCCGGGTGACGACGGGTAGAAAAGCAGGAGGAG[C>A]GGAGAAAGGAGAGGGCGGGGTAGGGATGCAGCTGTGCTGCATTCTGGGAAGGGCGTTGGT-3'

ClinVar aggregate classification (germline): Uncertain significance (1 of 4 stars; one submission).

gnomAD v4.1: 24 of 1,551,414 alleles (0.0015%); highest among the groups gnomAD compares: Non-Finnish European, 0.0021%; no homozygotes.

Submission:

Women's Health and Genetics/Laboratory Corporation of America, LabCorp
Classification: Uncertain significance. Last evaluated: 2025-11-26. Review status: criteria provided, single submitter. Criteria: LabCorp Variant Classification Summary - May 2015. Collection method: clinical testing. Allele origin: germline.
Comment: Variant summary: CERT1 c.43G>T (p.Ala15Ser) results in a conservative amino acid change in the encoded protein sequence. Algorithms developed to predict the effect of missense changes on protein structure and function all suggest that this variant is likely to be tolerated. The variant allele was found at a frequency of 6.4e-06 in 155850 control chromosomes. The available data on variant occurrences in the general population are insufficient to allow any conclusion about variant significance. To our knowledge, no occurrence of c.43G>T in individuals affected with CERT1-related conditions and no experimental evidence demonstrating its impact on protein function have been reported. No submitters have cited clinical-significance assessments for this variant to ClinVar. Based on the evidence outlined above, the variant was classified as uncertain significance.